The following is an entry in ClinVar:

NM_032119.4(ADGRV1):c.2437C>T (p.Arg813Ter)

Gene: ADGRV1 (adhesion G protein-coupled receptor V1; plus strand). Cytogenetic location: 5q14.3.
Variant type: single nucleotide variant.
Coding change: c.2437C>T on transcript NM_032119.4 (MANE Select); coding-DNA position 2437, C replaced by T.
Protein change: p.Arg813Ter; replaces arginine 813 with a stop codon.
Molecular consequence: nonsense. On other transcripts: non-coding transcript variant (1).
Genome position (GRCh38, 1-based): chr5:90,642,925, C>T. VCF-style: chr5-90642925-C-T. GRCh37 (hg19) VCF-style: chr5-89938742-C-T.
Other names: short protein forms R813*.
Identifiers: ClinVar variation 3004368 (VCV003004368.5), dbSNP rs1214672768, ClinGen allele CA360387968.

ClinVar aggregate classification (germline): Pathogenic/Likely pathogenic. Review status: criteria provided, multiple submitters, no conflicts (2 of 4 stars). 3 submissions from 3 submitters: Pathogenic (2); Likely pathogenic (1). Last evaluated 2025-12-09.

Conditions:
ADGRV1-related disorder. Also called: ADGRV1-related condition; ADGRV1-related disorders.
Usher syndrome type 2C. Also called: Usher syndrome, type 2B; USHER SYNDROME, TYPE IIC. Identifiers: Orphanet 231178, Orphanet 886, MedGen C2931213, MONDO:0011558, OMIM 605472.

Allele frequency attached by ClinVar (database versions not stated): TOPMed below 0.00001; gnomAD 0.00001; gnomAD exomes 0.00001.
gnomAD v4.1: 8 of 1,612,568 alleles (0.0005%); highest among the groups gnomAD compares: South Asian, 0.0011%; no homozygotes.

Submissions (3):

Genetics Research Center, University of Social Welfare and Rehabilitation Sciences
Classification: Pathogenic for Usher syndrome type 2C. Last evaluated: 2025-12-09. Review status: criteria provided, single submitter. Criteria: ACMG Guidelines, 2015. Collection method: research. Allele origin: germline. Affected: yes.
Comment: The variant is present at a very low frequency in the gnomAD v2.1.1 dataset (allele frequency: 0.003%). It is a stop-gain mutation expected to disrupt normal protein function either through nonsense-mediated decay (NMD) or by producing a truncated protein. Previous studies have reported its association with ADGVR1-related disorders (PMID: 19357117, 22147658, 32467589, 26226137, 22135276, 29890953).

Labcorp Genetics (formerly Invitae), Labcorp
Classification: Pathogenic. Last evaluated: 2023-04-05. Review status: criteria provided, single submitter. Criteria: Invitae Variant Classification Sherloc (09022015). Collection method: clinical testing. Allele origin: germline.
Comment: This sequence change creates a premature translational stop signal (p.Arg813*) in the ADGRV1 gene. It is expected to result in an absent or disrupted protein product. Loss-of-function variants in ADGRV1 are known to be pathogenic (PMID: 19357117, 22135276, 22147658, 26226137, 30718709, 31047384, 32467589). This variant is present in population databases (no rsID available, gnomAD 0.003%). This variant has not been reported in the literature in individuals affected with ADGRV1-related conditions. For these reasons, this variant has been classified as Pathogenic.

Blueprint Genetics
Classification: Likely pathogenic for ADGRV1-related disorders. Last evaluated: 2022-08-25. Review status: criteria provided, single submitter. Criteria: ACMG Guidelines, 2015. Collection method: clinical testing. Allele origin: germline. Affected: yes. Observed: 1 variant allele.

Literature cited by the submitters: PubMed 19357117 (cited by Genetics Research Center, University of Social Welfare and Rehabilitation Sciences and Labcorp Genetics (formerly Invitae), Labcorp); PubMed 22147658 (cited by Genetics Research Center, University of Social Welfare and Rehabilitation Sciences and Labcorp Genetics (formerly Invitae), Labcorp); PubMed 32467589 (cited by Genetics Research Center, University of Social Welfare and Rehabilitation Sciences and Labcorp Genetics (formerly Invitae), Labcorp); PubMed 26226137 (cited by Genetics Research Center, University of Social Welfare and Rehabilitation Sciences and Labcorp Genetics (formerly Invitae), Labcorp); PubMed 22135276 (cited by Genetics Research Center, University of Social Welfare and Rehabilitation Sciences and Labcorp Genetics (formerly Invitae), Labcorp); PubMed 29890953 (cited by Genetics Research Center, University of Social Welfare and Rehabilitation Sciences); PubMed 30718709 (cited by Labcorp Genetics (formerly Invitae), Labcorp); PubMed 31047384 (cited by Labcorp Genetics (formerly Invitae), Labcorp).